The following is an entry in ClinVar:

ClinVar aggregate classification (germline): Likely benign. Review status: criteria provided, multiple submitters, no conflicts (2 of 4 stars). 2 submissions from 2 submitters: Likely benign (2). Last evaluated 2025-10-17.

Conditions:
PDGFRA-related disorder. Also called: PDGFRA-related condition.
Hereditary cancer-predisposing syndrome. Also called: Hereditary neoplastic syndrome; Neoplastic Syndromes, Hereditary; Tumor predisposition; Hereditary Cancer Syndrome. Identifiers: Orphanet 140162, MedGen C0027672, MeSH D009386, MONDO:0015356.

Submissions (2):

Ambry Genetics
Classification: Likely benign for Hereditary cancer-predisposing syndrome. Last evaluated: 2025-10-17. Review status: criteria provided, single submitter. Criteria: Ambry Variant Classification Scheme 2023. Collection method: clinical testing. Allele origin: germline.

PreventionGenetics, part of Exact Sciences
Classification: Likely benign for PDGFRA-related condition. Last evaluated: 2025-06-10. Review status: criteria provided, single submitter. Criteria: ACMG Guidelines, 2015. Collection method: clinical testing. Allele origin: germline.
Comment: This variant is classified as likely benign based on ACMG/AMP sequence variant interpretation guidelines (Richards et al. 2015 PMID: 25741868, with internal and published modifications).

NM_006206.6(PDGFRA):c.2493T>C (p.Ile831=)

Gene: PDGFRA (platelet derived growth factor receptor alpha; plus strand). Cytogenetic location: 4q12.
Variant type: single nucleotide variant.
Coding change: c.2493T>C on transcript NM_006206.6 (MANE Select); coding-DNA position 2493, T replaced by C.
Protein change: p.Ile831=; no amino-acid change (isoleucine 831 retained).
Molecular consequence: synonymous variant.
Genome position (GRCh38, 1-based): chr4:54,285,894, T>C. VCF-style: chr4-54285894-T-C. GRCh37 (hg19) VCF-style: chr4-55152061-T-C.
Other names: c.2568T>C, p.Ile856= (NM_001347828.2); c.2493T>C, p.Ile831= (NM_001347829.2); c.2532T>C, p.Ile844= (NM_001347830.2); c.2493T>C (NM_006206.5).
Identifiers: ClinVar variation 4665244 (VCV004665244.2).